The following is an entry in ClinVar:

NM_002528.7(NTHL1):c.316G>A (p.Gly106Arg)

Gene: NTHL1 (nth like DNA glycosylase 1; minus strand). Cytogenetic location: 16p13.3.
Variant type: single nucleotide variant.
Coding change: c.316G>A on transcript NM_002528.7 (MANE Select); coding-DNA position 316, G replaced by A.
Protein change: p.Gly106Arg; replaces glycine 106 with arginine.
Molecular consequence: missense variant. On other transcripts: intron variant (1).
Genome position (GRCh38, 1-based): chr16:2,046,166, C>T on the plus strand (G>A on the coding strand, the complement: NTHL1 is on the minus strand). VCF-style: chr16-2046166-C-T. GRCh37 (hg19) VCF-style: chr16-2096167-C-T.
Other names: c.340G>A (NM_002528.5); c.316G>A, p.Gly106Arg (NM_001318193.2); c.24+114G>A (NM_001318194.2); short protein forms G106R.
Identifiers: ClinVar variation 1361287 (VCV001361287.10), dbSNP rs2150945247, ClinGen allele CA394295369.

ClinVar aggregate classification (germline): Uncertain significance. Review status: criteria provided, multiple submitters, no conflicts (2 of 4 stars). 2 submissions from 2 submitters: Uncertain significance (2). Last evaluated 2025-06-08.

Conditions:
Hereditary cancer-predisposing syndrome. Also called: Tumor predisposition; Hereditary neoplastic syndrome; Neoplastic Syndromes, Hereditary; Hereditary Cancer Syndrome. Identifiers: Orphanet 140162, MedGen C0027672, MeSH D009386, MONDO:0015356.

Submissions (2):

Ambry Genetics
Classification: Uncertain significance for Hereditary cancer-predisposing syndrome. Last evaluated: 2025-06-08. Review status: criteria provided, single submitter. Criteria: Ambry Variant Classification Scheme 2023. Collection method: clinical testing. Allele origin: germline.
Comment: The p.G114R variant (also known as c.340G>A), located in coding exon 2 of the NTHL1 gene, results from a G to A substitution at nucleotide position 340. The glycine at codon 114 is replaced by arginine, an amino acid with dissimilar properties. This amino acid position is conserved. In addition, this alteration is predicted to be deleterious by in silico analysis. Since supporting evidence is limited at this time, the clinical significance of this alteration remains unclear.

Labcorp Genetics (formerly Invitae), Labcorp
Classification: Uncertain significance. Last evaluated: 2023-03-11. Review status: criteria provided, single submitter. Criteria: Invitae Variant Classification Sherloc (09022015). Collection method: clinical testing. Allele origin: germline.
Comment: This sequence change replaces glycine, which is neutral and non-polar, with arginine, which is basic and polar, at codon 114 of the NTHL1 protein (p.Gly114Arg). This variant is not present in population databases (gnomAD no frequency). In summary, the available evidence is currently insufficient to determine the role of this variant in disease. Therefore, it has been classified as a Variant of Uncertain Significance. An algorithm developed to predict the effect of missense changes on protein structure and function (PolyPhen-2) suggests that this variant is likely to be disruptive. ClinVar contains an entry for this variant (Variation ID: 1361287). This variant has not been reported in the literature in individuals affected with NTHL1-related conditions.